The following is an entry in ClinVar:

ClinVar aggregate classification (germline): Uncertain significance. Review status: criteria provided, multiple submitters, no conflicts (2 of 4 stars). 2 submissions from 2 submitters: Uncertain significance (2). Last evaluated 2024-12-06.

Conditions:
Gorlin syndrome. Also called: Basal cell nevus syndrome; Nevoid Basal Cell Carcinoma Syndrome. Identifiers: Orphanet 377, MedGen C0004779, MONDO:0007187.
Hereditary cancer-predisposing syndrome. Also called: Neoplastic Syndromes, Hereditary; Hereditary Cancer Syndrome; Tumor predisposition; Hereditary neoplastic syndrome. Identifiers: Orphanet 140162, MedGen C0027672, MeSH D009386, MONDO:0015356.

Submissions (2):

Ambry Genetics
Classification: Uncertain significance for Hereditary cancer-predisposing syndrome. Last evaluated: 2024-12-06. Review status: criteria provided, single submitter. Criteria: Ambry Variant Classification Scheme 2023. Collection method: clinical testing. Allele origin: germline.
Comment: The p.V136I variant (also known as c.406G>A), located in coding exon 3 of the PTCH1 gene, results from a G to A substitution at nucleotide position 406. The valine at codon 136 is replaced by isoleucine, an amino acid with highly similar properties. This amino acid position is conserved. In addition, the in silico prediction for this alteration is inconclusive. Based on the available evidence, the clinical significance of this variant remains unclear.

Labcorp Genetics (formerly Invitae), Labcorp
Classification: Uncertain significance for Gorlin syndrome. Last evaluated: 2024-03-05. Review status: criteria provided, single submitter. Criteria: Invitae Variant Classification Sherloc (09022015). Collection method: clinical testing. Allele origin: germline.
Comment: This sequence change replaces valine, which is neutral and non-polar, with isoleucine, which is neutral and non-polar, at codon 136 of the PTCH1 protein (p.Val136Ile). This variant is not present in population databases (gnomAD no frequency). This variant has not been reported in the literature in individuals affected with PTCH1-related conditions. ClinVar contains an entry for this variant (Variation ID: 1434544). Advanced modeling of protein sequence and biophysical properties (such as structural, functional, and spatial information, amino acid conservation, physicochemical variation, residue mobility, and thermodynamic stability) performed at Invitae indicates that this missense variant is not expected to disrupt PTCH1 protein function with a negative predictive value of 95%. In summary, the available evidence is currently insufficient to determine the role of this variant in disease. Therefore, it has been classified as a Variant of Uncertain Significance.

NM_000264.5(PTCH1):c.406G>A (p.Val136Ile)

Gene: PTCH1 (patched 1; minus strand). Cytogenetic location: 9q22.32.
Variant type: single nucleotide variant.
Coding change: c.406G>A on transcript NM_000264.5 (MANE Select); coding-DNA position 406, G replaced by A.
Protein change: p.Val136Ile; replaces valine 136 with isoleucine.
Molecular consequence: missense variant. On other transcripts: 5 prime UTR variant (4), non-coding transcript variant (1).
Genome position (GRCh38, 1-based): chr9:95,485,863, C>T on the plus strand (G>A on the coding strand, the complement: PTCH1 is on the minus strand). VCF-style: chr9-95485863-C-T. GRCh37 (hg19) VCF-style: chr9-98248145-C-T.
Other names: c.406G>A (NM_000264.3); c.208G>A, p.Val70Ile (NM_001083602.3, NM_001354919.2); c.403G>A, p.Val135Ile (NM_001083603.3); c.-48G>A (NM_001083604.3, NM_001083605.3, NM_001083606.3 and 1 more transcripts); c.406G>A, p.Val136Ile (NM_001354918.2); short protein forms V135I, V70I, V136I.
Identifiers: ClinVar variation 1434544 (VCV001434544.9), dbSNP rs1240746395, ClinGen allele CA374117326.